The following is an entry in ClinVar:

ClinVar aggregate classification (germline): Uncertain significance. Review status: criteria provided, multiple submitters, no conflicts (2 of 4 stars). 2 submissions from 2 submitters: Uncertain significance (2). Last evaluated 2023-03-06.

Conditions:
Primary ciliary dyskinesia. Also called: Ciliary dyskinesia. Identifiers: Orphanet 244, MedGen C0008780, MONDO:0016575, HP:0012265.

Allele frequency attached by ClinVar (database versions not stated): gnomAD exomes below 0.00001; gnomAD 0.00001; 1000 Genomes Project 30x 0.00016; 1000 Genomes Project 0.00020.

Submissions (2):

Labcorp Genetics (formerly Invitae), Labcorp
Classification: Uncertain significance for Primary ciliary dyskinesia. Last evaluated: 2023-03-06. Review status: criteria provided, single submitter. Criteria: Invitae Variant Classification Sherloc (09022015). Collection method: clinical testing. Allele origin: germline.
Comment: This sequence change falls in intron 11 of the CCDC40 gene. It does not directly change the encoded amino acid sequence of the CCDC40 protein. It affects a nucleotide within the consensus splice site. This variant is present in population databases (rs530585863, gnomAD 0.0009%). This variant has been observed in individual(s) with clinical features of primary ciliary dyskinesia (Invitae). ClinVar contains an entry for this variant (Variation ID: 2117959). Variants that disrupt the consensus splice site are a relatively common cause of aberrant splicing (PMID: 17576681, 9536098). Algorithms developed to predict the effect of sequence changes on RNA splicing suggest that this variant may disrupt the consensus splice site. In summary, the available evidence is currently insufficient to determine the role of this variant in disease. Therefore, it has been classified as a Variant of Uncertain Significance.

GeneDx
Classification: Uncertain significance. Last evaluated: 2022-11-09. Review status: criteria provided, single submitter. Criteria: GeneDx Variant Classification Process June 2021. Collection method: clinical testing. Allele origin: germline. Affected: yes.
Comment: Not observed at significant frequency in large population cohorts (gnomAD); Has not been previously published as pathogenic or benign to our knowledge; In silico analysis is inconclusive as to whether the variant alters gene splicing. In the absence of RNA/functional studies, the actual effect of this sequence change is unknown.

Literature cited by the submitters: PubMed 17576681 (cited by Labcorp Genetics (formerly Invitae), Labcorp); PubMed 9536098 (cited by Labcorp Genetics (formerly Invitae), Labcorp).

NM_017950.4(CCDC40):c.1806+5G>A

Gene: CCDC40 (coiled-coil domain 40 molecular ruler complex subunit; plus strand). Cytogenetic location: 17q25.3.
Variant type: single nucleotide variant.
Coding change: c.1806+5G>A on transcript NM_017950.4 (MANE Select); 5 bases into the intron after coding-DNA position 1806, G replaced by A.
Molecular consequence: intron variant.
Genome position (GRCh38, 1-based): chr17:80,081,794, G>A. VCF-style: chr17-80081794-G-A. GRCh37 (hg19) VCF-style: chr17-78055593-G-A.
Other names: c.1806+5G>A (NM_001243342.2).
Identifiers: ClinVar variation 2117959 (VCV002117959.5), dbSNP rs530585863, ClinGen allele CA294859149.